The following is an entry in ClinVar:

ClinVar aggregate classification (germline): Uncertain significance. Review status: criteria provided, multiple submitters, no conflicts (2 of 4 stars). 2 submissions from 2 submitters: Uncertain significance (2). Last evaluated 2024-09-02.

Conditions:
Cardiovascular phenotype. Identifiers: MedGen CN230736.
Catecholaminergic polymorphic ventricular tachycardia 1. Also called: VENTRICULAR TACHYCARDIA, STRESS-INDUCED POLYMORPHIC 1; VENTRICULAR TACHYCARDIA, CATECHOLAMINERGIC POLYMORPHIC, 1, WITH OR WITHOUT ATRIAL DYSFUNCTION AND/OR DILATED CARDIOMYOPATHY; RYR2-Related Catecholaminergic Polymorphic Ventricular Tachycardia. Identifiers: Orphanet 3286, MedGen C1631597, MONDO:0011484, OMIM 604772.

Allele frequency attached by ClinVar (database versions not stated): TOPMed 0.00001; gnomAD exomes 0.00002; ExAC 0.00005.
gnomAD v4.1: 9 of 1,606,292 alleles (0.00056%); highest among the groups gnomAD compares: Non-Finnish European, 0.00076%; no homozygotes.

Submissions (2):

Labcorp Genetics (formerly Invitae), Labcorp
Classification: Uncertain significance for Catecholaminergic polymorphic ventricular tachycardia 1. Last evaluated: 2024-09-02. Review status: criteria provided, single submitter. Criteria: Invitae Variant Classification Sherloc (09022015). Collection method: clinical testing. Allele origin: germline.
Comment: This sequence change replaces isoleucine, which is neutral and non-polar, with threonine, which is neutral and polar, at codon 872 of the RYR2 protein (p.Ile872Thr). This variant is present in population databases (rs749607906, gnomAD 0.005%). This variant has not been reported in the literature in individuals affected with RYR2-related conditions. ClinVar contains an entry for this variant (Variation ID: 463588). An algorithm developed to predict the effect of missense changes on protein structure and function (PolyPhen-2) suggests that this variant is likely to be disruptive. In summary, the available evidence is currently insufficient to determine the role of this variant in disease. Therefore, it has been classified as a Variant of Uncertain Significance.

Ambry Genetics
Classification: Uncertain significance for Cardiovascular phenotype. Last evaluated: 2022-09-12. Review status: criteria provided, single submitter. Criteria: Ambry Variant Classification Scheme 2023. Collection method: clinical testing. Allele origin: germline.
Comment: The p.I872T variant (also known as c.2615T>C), located in coding exon 23 of the RYR2 gene, results from a T to C substitution at nucleotide position 2615. The isoleucine at codon 872 is replaced by threonine, an amino acid with similar properties. This amino acid position is well conserved in available vertebrate species. In addition, this alteration is predicted to be deleterious by in silico analysis. Since supporting evidence is limited at this time, the clinical significance of this alteration remains unclear.

NM_001035.3(RYR2):c.2615T>C (p.Ile872Thr)

Gene: RYR2 (ryanodine receptor 2; plus strand). Cytogenetic location: 1q43.
Variant type: single nucleotide variant.
Coding change: c.2615T>C on transcript NM_001035.3 (MANE Select); coding-DNA position 2615, T replaced by C.
Protein change: p.Ile872Thr; replaces isoleucine 872 with threonine.
Molecular consequence: missense variant.
Genome position (GRCh38, 1-based): chr1:237,506,711, T>C. VCF-style: chr1-237506711-T-C. GRCh37 (hg19) VCF-style: chr1-237670011-T-C.
Other names: c.2615T>C, p.Ile872Thr (LRG_402t1); short protein forms I872T.
Identifiers: ClinVar variation 463588 (VCV000463588.14), dbSNP rs749607906, ClinGen allele CA086093.